The following is an entry in ClinVar:

NM_002397.5(MEF2C):c.637+1G>C

Gene: MEF2C (myocyte enhancer factor 2C; minus strand). Cytogenetic location: 5q14.3.
Variant type: single nucleotide variant.
Coding change: c.637+1G>C on transcript NM_002397.5 (MANE Select); the canonical splice donor site of the intron after coding-DNA position 637, G replaced by C.
Molecular consequence: splice donor variant.
Genome position (GRCh38, 1-based): chr5:88,749,069, C>G on the plus strand (G>C on the coding strand, the complement: MEF2C is on the minus strand). VCF-style: chr5-88749069-C-G. GRCh37 (hg19) VCF-style: chr5-88044886-C-G.
Other names: c.637+1G>C (NM_001364348.2, NM_001364340.2, NM_001364346.2 and 18 more transcripts); c.493+1G>C (NM_001193348.1, NM_001364344.2, NM_001364354.2 and 3 more transcripts); c.211+1G>C (NM_001364357.2); c.259+1G>C (NM_001364356.2, NM_001364353.2); c.631+1G>C (NM_001131005.2, NM_001364352.2, NM_001364343.2); c.691+1G>C (NM_001193347.1, NM_001364338.2).
Identifiers: ClinVar variation 1068354 (VCV001068354.2), dbSNP rs2152497250, ClinGen allele CA360423541.

ClinVar aggregate classification (germline): Likely pathogenic (1 of 4 stars; one submission).

Conditions:
Neurodevelopmental disorder with hypotonia, stereotypic hand movements, and impaired language. Also called: Intellectual disability, autosomal dominant 20. Identifiers: Orphanet 228384, Orphanet 664410, MedGen C3150700, MONDO:0013266, OMIM 613443.

Submission:

Labcorp Genetics (formerly Invitae), Labcorp
Classification: Likely pathogenic for Neurodevelopmental disorder with hypotonia, stereotypic hand movements, and impaired language. Last evaluated: 2020-05-06. Review status: criteria provided, single submitter. Criteria: Invitae Variant Classification Sherloc (09022015). Collection method: clinical testing. Allele origin: germline.
Comment: This sequence change affects a donor splice site in intron 6 of the MEF2C gene. It is expected to disrupt RNA splicing and likely results in an absent or disrupted protein product. This variant is not present in population databases (ExAC no frequency). This variant has not been reported in the literature in individuals with MEF2C-related conditions. Algorithms developed to predict the effect of sequence changes on RNA splicing suggest that this variant may disrupt the consensus splice site, but this prediction has not been confirmed by published transcriptional studies. Donor and acceptor splice site variants typically lead to a loss of protein function (PMID: 16199547), and loss-of-function variants in MEF2C are known to be pathogenic (PMID: 20513142). In summary, the currently available evidence indicates that the variant is pathogenic, but additional data are needed to prove that conclusively. Therefore, this variant has been classified as Likely Pathogenic.

Literature cited by the submitters: PubMed 16199547; PubMed 20513142.